The following is an entry in ClinVar:

ClinVar aggregate classification (germline): Uncertain significance. Review status: criteria provided, multiple submitters, no conflicts (2 of 4 stars). 2 submissions from 2 submitters: Uncertain significance (2). Last evaluated 2025-04-24.

Conditions:
Inborn genetic diseases. Identifiers: MedGen C0950123, MeSH D030342.

Allele frequency attached by ClinVar (database versions not stated): gnomAD 0.00003; gnomAD exomes 0.00006; ExAC 0.00007.
gnomAD v4.1: 68 of 1,614,056 alleles (0.0042%); highest among the groups gnomAD compares: Admixed American, 0.0067%; no homozygotes.

Submissions (2):

Ambry Genetics
Classification: Uncertain significance for Inborn genetic diseases. Last evaluated: 2025-04-24. Review status: criteria provided, single submitter. Criteria: Ambry Variant Classification Scheme 2023. Collection method: clinical testing. Allele origin: germline.

Labcorp Genetics (formerly Invitae), Labcorp
Classification: Uncertain significance. Last evaluated: 2022-01-14. Review status: criteria provided, single submitter. Criteria: Invitae Variant Classification Sherloc (09022015). Collection method: clinical testing. Allele origin: germline.
Comment: This variant is present in population databases (rs773309398, gnomAD 0.01%). This sequence change replaces serine, which is neutral and polar, with leucine, which is neutral and non-polar, at codon 120 of the TBXAS1 protein (p.Ser120Leu). This variant has not been reported in the literature in individuals affected with TBXAS1-related conditions. In summary, the available evidence is currently insufficient to determine the role of this variant in disease. Therefore, it has been classified as a Variant of Uncertain Significance. Advanced modeling of protein sequence and biophysical properties (such as structural, functional, and spatial information, amino acid conservation, physicochemical variation, residue mobility, and thermodynamic stability) performed at Invitae indicates that this missense variant is not expected to disrupt TBXAS1 protein function.

NM_001061.7(TBXAS1):c.356C>T (p.Ser119Leu)

Gene: TBXAS1 (thromboxane A synthase 1; plus strand). Cytogenetic location: 7q34.
Variant type: single nucleotide variant.
Coding change: c.356C>T on transcript NM_001061.7 (MANE Select); coding-DNA position 356, C replaced by T.
Protein change: p.Ser119Leu; replaces serine 119 with leucine.
Molecular consequence: missense variant.
Genome position (GRCh38, 1-based): chr7:139,936,213, C>T. VCF-style: chr7-139936213-C-T. GRCh37 (hg19) VCF-style: chr7-139636012-C-T.
Other names: c.359C>T (NM_001061.4); c.356C>T, p.Ser119Leu (NM_001130966.5, NM_001166253.4, NM_030984.6); c.155C>T, p.Ser52Leu (NM_001166254.4); c.299C>T, p.Ser100Leu (NM_001314028.4); c.173C>T, p.Ser58Leu (NM_001366537.3); short protein forms S58L, S100L, S52L, S119L.
Identifiers: ClinVar variation 1379668 (VCV001379668.7), dbSNP rs773309398, ClinGen allele CA4511609.